The following is an entry in ClinVar:

NM_001457.4(FLNB):c.6340A>G (p.Ile2114Val)

Gene: FLNB (filamin B; plus strand). Cytogenetic location: 3p14.3.
Variant type: single nucleotide variant.
Coding change: c.6340A>G on transcript NM_001457.4 (MANE Select); coding-DNA position 6340, A replaced by G.
Protein change: p.Ile2114Val; replaces isoleucine 2114 with valine.
Molecular consequence: missense variant.
Genome position (GRCh38, 1-based): chr3:58,150,200, A>G. VCF-style: chr3-58150200-A-G. GRCh37 (hg19) VCF-style: chr3-58135927-A-G.
Other names: c.6433A>G, p.Ile2145Val (NM_001164317.2); c.6307A>G, p.Ile2103Val (NM_001164318.2); c.6268A>G, p.Ile2090Val (NM_001164319.2); short protein forms I2090V, I2114V, I2145V, I2103V.
Identifiers: ClinVar variation 1910182 (VCV001910182.5), dbSNP rs1256764500, ClinGen allele CA353358195.

ClinVar aggregate classification (germline): Uncertain significance (1 of 4 stars; one submission).

Allele frequency attached by ClinVar (database versions not stated): gnomAD 0.00001; gnomAD exomes 0.00001; TOPMed 0.00001.
gnomAD v4.1: 11 of 1,614,084 alleles (0.00068%); highest among the groups gnomAD compares: Non-Finnish European, 0.00093%; no homozygotes.

Submission:

Labcorp Genetics (formerly Invitae), Labcorp
Classification: Uncertain significance. Last evaluated: 2026-01-06. Review status: criteria provided, single submitter. Criteria: Invitae Variant Classification Sherloc (09022015). Collection method: clinical testing. Allele origin: germline.
Comment: This sequence change replaces isoleucine, which is neutral and non-polar, with valine, which is neutral and non-polar, at codon 2114 of the FLNB protein (p.Ile2114Val). This variant is present in population databases (no rsID available, gnomAD 0.0009%). This variant has not been reported in the literature in individuals affected with FLNB-related conditions. ClinVar contains an entry for this variant (Variation ID: 1910182). Invitae Evidence Modeling of protein sequence and biophysical properties (such as structural, functional, and spatial information, amino acid conservation, physicochemical variation, residue mobility, and thermodynamic stability) indicates that this missense variant is not expected to disrupt FLNB protein function with a negative predictive value of 95%. In summary, the available evidence is currently insufficient to determine the role of this variant in disease. Therefore, it has been classified as a Variant of Uncertain Significance.